The following is an entry in ClinVar:

NM_002691.4(POLD1):c.2123T>G (p.Val708Gly)

Gene: POLD1 (DNA polymerase delta 1, catalytic subunit; plus strand). Cytogenetic location: 19q13.33.
Variant type: single nucleotide variant.
Coding change: c.2123T>G on transcript NM_002691.4 (MANE Select); coding-DNA position 2123, T replaced by G.
Protein change: p.Val708Gly; replaces valine 708 with glycine.
Molecular consequence: missense variant. On other transcripts: non-coding transcript variant (1).
Genome position (GRCh38, 1-based): chr19:50,409,635, T>G. VCF-style: chr19-50409635-T-G. GRCh37 (hg19) VCF-style: chr19-50912892-T-G.
Other names: c.2123T>G, p.Val708Gly (NM_001256849.1); c.2201T>G, p.Val734Gly (NM_001308632.1); short protein forms V708G, V734G.
Identifiers: ClinVar variation 469239 (VCV000469239.10), dbSNP rs1555792019, ClinGen allele CA406982673.

ClinVar aggregate classification (germline): Uncertain significance. Review status: criteria provided, multiple submitters, no conflicts (2 of 4 stars). 2 submissions from 2 submitters: Uncertain significance (2). Last evaluated 2023-01-13.

Conditions:
POLD1-related polyposis and colorectal cancer syndrome (CRCS10). Also called: Colorectal cancer 10; COLORECTAL CANCER, SUSCEPTIBILITY TO, ON CHROMOSOME 19q; Colorectal cancer, susceptibility to, 10. Identifiers: Orphanet 220460, MedGen C2675481, MONDO:0012953, OMIM 612591.

Submissions (2):

GeneDx
Classification: Uncertain significance. Last evaluated: 2023-01-13. Review status: criteria provided, single submitter. Criteria: GeneDx Variant Classification Process June 2021. Collection method: clinical testing. Allele origin: germline. Affected: yes.
Comment: Not observed at significant frequency in large population cohorts (gnomAD); In silico analysis supports that this missense variant has a deleterious effect on protein structure/function; Has not been previously published as pathogenic or benign to our knowledge

Labcorp Genetics (formerly Invitae), Labcorp
Classification: Uncertain significance for POLD1-related polyposis and colorectal cancer syndrome. Last evaluated: 2018-07-05. Review status: criteria provided, single submitter. Criteria: Invitae Variant Classification Sherloc (09022015). Collection method: clinical testing. Allele origin: germline.
Comment: In summary, the available evidence is currently insufficient to determine the role of this variant in disease. Therefore, it has been classified as a Variant of Uncertain Significance. Algorithms developed to predict the effect of missense changes on protein structure and function (SIFT, PolyPhen-2, Align-GVGD) all suggest that this variant is likely to be disruptive, but these predictions have not been confirmed by published functional studies and their clinical significance is uncertain. This variant has not been reported in the literature in individuals with POLD1-related disease. ClinVar contains an entry for this variant (Variation ID: 469239). This variant is not present in population databases (ExAC no frequency). This sequence change replaces valine with glycine at codon 708 of the POLD1 protein (p.Val708Gly). The valine residue is highly conserved and there is a moderate physicochemical difference between valine and glycine.